The following is an entry in ClinVar:

ClinVar aggregate classification (germline): Benign/Likely benign. Review status: criteria provided, multiple submitters, no conflicts (2 of 4 stars). 7 submissions from 7 submitters: Benign (2); Likely benign (4). 1 of the submissions does not count toward it. Last evaluated 2026-02-02.

Conditions:
MYO5B-related disorder. Also called: MYO5B-related condition.
Congenital microvillous atrophy (DIAR2). Also called: MICROVILLUS ATROPHY, CONGENITAL; Microvillus inclusion disease; Diarrhea 2 with microvillus atrophy, with or without cholestasis; CONGENITAL FAMILIAL PROTRACTED DIARRHEA WITH ENTEROCYTE BRUSH-BORDER ABNORMALITIES; DAVIDSON DISEASE. Identifiers: Orphanet 2290, MedGen C0341306, MONDO:0009635, OMIM 251850.

Allele frequency attached by ClinVar (database versions not stated): TOPMed 0.00149; gnomAD 0.00153 and 0.00162; 1000 Genomes Project 0.00240; 1000 Genomes Project 30x 0.00265; ESP Exome Variant Server 0.00113.
gnomAD v4.1: 2,228 of 1,613,206 alleles (0.14%); highest among the groups gnomAD compares: Middle Eastern, 0.96%; 14 homozygotes.

Submissions (7):

Labcorp Genetics (formerly Invitae), Labcorp
Classification: Benign. Last evaluated: 2026-02-02. Review status: criteria provided, single submitter. Criteria: Invitae Variant Classification Sherloc (09022015). Collection method: clinical testing. Allele origin: germline.

Blueprint Genetics
Classification: Likely benign. Last evaluated: 2024-11-17. Review status: criteria provided, single submitter. Criteria: ACMG Guidelines, 2015. Collection method: clinical testing. Allele origin: germline.

CeGaT Center for Human Genetics Tuebingen
Classification: Likely benign. Last evaluated: 2023-07-01. Review status: criteria provided, single submitter. Criteria: CeGaT Center For Human Genetics Tuebingen Variant Classification Criteria Version 2. Collection method: clinical testing. Allele origin: germline. Affected: yes. Observed: 2 variant alleles.
Comment: MYO5B: BS2

Illumina Laboratory Services, Illumina
Classification: Likely benign for Congenital microvillous atrophy. Last evaluated: 2018-01-12. Review status: criteria provided, single submitter. Criteria: ICSL Variant Classification Criteria 13 December 2019. Collection method: clinical testing. Allele origin: germline.
Comment: This variant was observed in the ICSL laboratory as part of a predisposition screen in an ostensibly healthy population. It had not been previously curated by ICSL or reported in the Human Gene Mutation Database (HGMD: prior to June 1st, 2018), and was therefore a candidate for classification through an automated scoring system. Utilizing variant allele frequency, disease prevalence and penetrance estimates, and inheritance mode, an automated score was calculated to assess if this variant is too frequent to cause the disease. Based on the score and internal cut-off values, a variant classified as likely benign is not then subjected to further curation. The score for this variant resulted in a classification of likely benign for this disease.

Genomic Diagnostic Laboratory, Division of Genomic Diagnostics, Children's Hospital of Philadelphia
Classification: Benign. Last evaluated: 2015-07-09. Review status: criteria provided, single submitter. Criteria: DGD Variant Analysis Guidelines. Collection method: clinical testing. Allele origin: unknown.

Breakthrough Genomics
Classification: Likely benign. Review status: criteria provided, single submitter. Criteria: ACMG Guidelines, 2015. Collection method: not provided. Allele origin: germline. Inheritance: Autosomal recessive inheritance. Affected: yes.

PreventionGenetics, part of Exact Sciences
Classification: Likely benign for MYO5B-related condition. Last evaluated: 2021-03-25. Review status: no assertion criteria provided. Collection method: clinical testing. Allele origin: germline. Not counted in ClinVar's aggregate classification.
Comment: This variant is classified as likely benign based on ACMG/AMP sequence variant interpretation guidelines (Richards et al. 2015 PMID: 25741868, with internal and published modifications).

NM_001080467.3(MYO5B):c.1031G>A (p.Arg344His)

Gene: MYO5B (myosin VB; minus strand). Cytogenetic location: 18q21.1.
Variant type: single nucleotide variant.
Coding change: c.1031G>A on transcript NM_001080467.3 (MANE Select); coding-DNA position 1031, G replaced by A.
Protein change: p.Arg344His; replaces arginine 344 with histidine.
Molecular consequence: missense variant.
Genome position (GRCh38, 1-based): chr18:49,980,469, C>T on the plus strand (G>A on the coding strand, the complement: MYO5B is on the minus strand). VCF-style: chr18-49980469-C-T. GRCh37 (hg19) VCF-style: chr18-47506839-C-T.
Other names: short protein forms R344H.
Identifiers: ClinVar variation 218503 (VCV000218503.46), dbSNP rs189027956, ClinGen allele CA249357.